The following is an entry in ClinVar:

NM_001999.4(FBN2):c.6148A>G (p.Lys2050Glu)

Gene: FBN2 (fibrillin 2; minus strand). Cytogenetic location: 5q23.3.
Variant type: single nucleotide variant.
Coding change: c.6148A>G on transcript NM_001999.4 (MANE Select); coding-DNA position 6148, A replaced by G.
Protein change: p.Lys2050Glu; replaces lysine 2050 with glutamic acid.
Molecular consequence: missense variant.
Genome position (GRCh38, 1-based): chr5:128,300,835, T>C on the plus strand (A>G on the coding strand, the complement: FBN2 is on the minus strand). VCF-style: chr5-128300835-T-C. GRCh37 (hg19) VCF-style: chr5-127636527-T-C.
Other names: short protein forms K2050E.
Identifiers: ClinVar variation 213418 (VCV000213418.10), dbSNP rs863223611, ClinGen allele CA321840.

ClinVar aggregate classification (germline): Uncertain significance. Review status: criteria provided, multiple submitters, no conflicts (2 of 4 stars). 5 submissions from 5 submitters: Uncertain significance (4). 1 of the submissions does not count toward it. Last evaluated 2025-06-23.

Conditions:
FBN2-related disorder. Also called: FBN2-related condition.
Familial thoracic aortic aneurysm and aortic dissection (TAAD). Also called: Thoracic aortic aneurysms and dissections. Identifiers: Orphanet 91387, MedGen C4707243, MONDO:0019625.
Congenital contractural arachnodactyly (CCA). Also called: Beals-Hecht syndrome; BEALS SYNDROME; Arthrogryposis, distal, type 9. Identifiers: Orphanet 115, MedGen C0220668, MONDO:0007363, OMIM 121050.

Allele frequency attached by ClinVar (database versions not stated): gnomAD 0.00001; TOPMed 0.00001; gnomAD exomes 0.00002.
gnomAD v4.1: 32 of 1,613,932 alleles (0.002%); highest among the groups gnomAD compares: Non-Finnish European, 0.0026%; no homozygotes.

Submissions (5):

Ambry Genetics
Classification: Uncertain significance for Familial thoracic aortic aneurysm and aortic dissection. Last evaluated: 2025-06-23. Review status: criteria provided, single submitter. Criteria: Ambry Variant Classification Scheme 2023. Collection method: clinical testing. Allele origin: germline.
Comment: The p.K2050E variant (also known as c.6148A>G), located in coding exon 48 of the FBN2 gene, results from an A to G substitution at nucleotide position 6148. The lysine at codon 2050 is replaced by glutamic acid, an amino acid with similar properties. This amino acid position is not well conserved in available vertebrate species. In addition, this alteration is predicted to be tolerated by in silico analysis. Based on the available evidence, the clinical significance of this variant remains unclear.

Labcorp Genetics (formerly Invitae), Labcorp
Classification: Uncertain significance for Congenital contractural arachnodactyly. Last evaluated: 2025-06-20. Review status: criteria provided, single submitter. Criteria: Invitae Variant Classification Sherloc (09022015). Collection method: clinical testing. Allele origin: germline.
Comment: This sequence change replaces lysine, which is basic and polar, with glutamic acid, which is acidic and polar, at codon 2050 of the FBN2 protein (p.Lys2050Glu). This variant is not present in population databases (gnomAD no frequency). This missense change has been observed in individual(s) with aortic root dilation (internal data). ClinVar contains an entry for this variant (Variation ID: 213418). Invitae Evidence Modeling of protein sequence and biophysical properties (such as structural, functional, and spatial information, amino acid conservation, physicochemical variation, residue mobility, and thermodynamic stability) indicates that this missense variant is not expected to disrupt FBN2 protein function with a negative predictive value of 80%. In summary, the available evidence is currently insufficient to determine the role of this variant in disease. Therefore, it has been classified as a Variant of Uncertain Significance.

Victorian Clinical Genetics Services, Murdoch Childrens Research Institute
Classification: Uncertain significance for Congenital contractural arachnodactyly. Last evaluated: 2022-02-02. Review status: criteria provided, single submitter. Criteria: ACMG Guidelines, 2015. Collection method: clinical testing. Allele origin: germline. Inheritance: Autosomal dominant inheritance. Affected: yes.
Comment: Based on the classification scheme VCGS_Germline_v1.3.4, this variant is classified as VUS-3C. Following criteria are met: 0105 - The mechanism of disease for this gene is not clearly established. However, dominant negative is a likely mechanism of disease (PMID: 31316167). (I) 0107 - This gene is associated with autosomal dominant disease. There are also rare reports of a severe form of congenital contractural arachnodactyly due to biallelic variants (PMID: 33571691). (I) 0115 - Variants in this gene are known to have variable expressivity. Intra- and interfamilial variability is well reported for this gene (PMID: 20301560). (I) 0200 - Variant is predicted to result in a missense amino acid change from lysine to glutamic acid. (I) 0251 - This variant is heterozygous. (I) 0302 - Variant is present in gnomAD (v3) <0.001 for a dominant condition (1 heterozygote, 0 homozygotes). (SP) 0503 - Missense variant consistently predicted to be tolerated by multiple in silico tools or not conserved in placental mammals with a minor amino acid change. (SB) 0600 - Variant is located in the annotated calcium-binding EGF domain (DECIPHER). (I) 0705 - No comparable missense variants have previous evidence for pathogenicity. (I) 0809 - Previous evidence of pathogenicity for this variant is inconclusive. This variant has been reported as VUS twice in ClinVar. (I) 0905 - No published segregation evidence has been identified for this variant. (I) 1007 - No published functional evidence has been identified for this variant. (I) 1208 - Inheritance information for this variant is not currently available in this individual. (I) Legend: (SP) - Supporting pathogenic, (I) - Information, (SB) - Supporting benign

GeneDx
Classification: Uncertain significance. Last evaluated: 2018-11-06. Review status: criteria provided, single submitter. Criteria: GeneDx Variant Classification (06012015). Collection method: clinical testing. Allele origin: germline. Affected: yes.
Comment: A variant of uncertain significance has been identified in the FBN2 gene. The K2050E variant has not been published as pathogenic or been reported as benign to our knowledge. This variant is not observed in large population cohorts (Lek et al., 2016). The K2050E variant is a non-conservative amino acid substitution, which is likely to impact secondary protein structure as these residues differ in polarity, charge, size and/or other properties. Nevertheless, in-silico analyses, including protein predictors and evolutionary conservation, support that this variant does not alter protein structure/function. In addition, although the K2050E variant is located within a calcium-binding EGF-like domain of the FBN2 gene, it does not affect a cysteine residue. Cysteine substitutions in the calcium-binding EGF-like domains represent the majority of pathogenic missense changes associated with CCA (Collod-Beroud et al., 2003; Frederic et al., 2009).

PreventionGenetics, part of Exact Sciences
Classification: Uncertain significance for FBN2-related condition. Last evaluated: 2024-06-28. Review status: no assertion criteria provided. Collection method: clinical testing. Allele origin: germline. Not counted in ClinVar's aggregate classification.
Comment: The FBN2 c.6148A>G variant is predicted to result in the amino acid substitution p.Lys2050Glu. To our knowledge, this variant has not been reported in the literature or in a large population database, indicating this variant is rare. At this time, the clinical significance of this variant is uncertain due to the absence of conclusive functional and genetic evidence.

Literature cited by the submitters: PubMed 20301560 (cited by Victorian Clinical Genetics Services, Murdoch Childrens Research Institute); PubMed 31316167 (cited by Victorian Clinical Genetics Services, Murdoch Childrens Research Institute); PubMed 33571691 (cited by Victorian Clinical Genetics Services, Murdoch Childrens Research Institute).